The following is an entry in ClinVar:

ClinVar aggregate classification (germline): Likely pathogenic. Review status: reviewed by expert panel (3 of 4 stars). 5 submissions from 5 submitters: Likely pathogenic (1). 4 of the submissions do not count toward it. Last evaluated 2025-08-01.

Conditions:
RYR1-related disorder. Also called: RYR1-related condition; RYR1-related disorders. Identifiers: MedGen CN239331.
Malignant hyperthermia, susceptibility to, 1 (MHS1). Also called: Anesthesia related hyperthermia; Malignant hyperpyrexia; Fulminating hyperpyrexia; Pharmacogenic myopathy; RYR1-Related Malignant Hyperthermia Susceptibility; Malignant hyperthermia suceptibility 1. Identifiers: Orphanet 423, MedGen C2930980, MONDO:0007783, OMIM 145600.
King Denborough syndrome (KDS). Identifiers: MedGen C1840365, MONDO:0020485, OMIM 619542.

Submissions (5):

ClinGen Malignant Hyperthermia Susceptibility Variant Curation Expert Panel, ClinGen
Classification: Likely pathogenic for Malignant hyperthermia, susceptibility to, 1. Last evaluated: 2025-08-01. Review status: reviewed by expert panel. Criteria: ClinGen MHS ACMG Specifications V2. Collection method: curation. Allele origin: germline. Inheritance: Autosomal dominant inheritance. Study: ClinGen.
Comment: This pathogenicity assessment is relevant only for malignant hyperthermia susceptibility (MHS) inherited in an autosomal dominant pattern. Variants in RYR1 can also cause other myopathies inherited in an autosomal dominant pattern or in an autosomal recessive pattern. Some of these disorders may predispose individuals to malignant hyperthermia. RYR1 variants may also contribute to a malignant hyperthermia reaction in combination with other genetic and non-genetic factors and the clinician needs to consider such factors in making management decisions. This sequence variant predicts a substitution of lysine with glutamic acid at codon 33 of the RYR1 protein, p.(Lys33Glu). This variant was not present in a large population database (gnomAD) at the time this variant was interpreted. This variant has been reported in an individual diagnosed with King-Denborough syndrome with a personal history of an MH episode and a positive caffeine halothane contracture test (CHCT) result, PS4_Supporting (PMID:18765655). In this individual the variant was determined to be de novo without confirmed parentage PM6_Supporting. No functional studies were identified for this variant. This variant resides in a region of RYR1 considered to be a hotspot for pathogenic variants that contribute to MHS, PM1 (PMID: 21118704). A REVEL score >0.85 (0.92) supports a pathogenic status for this variant, PP3_Moderate. This variant has been classified as Likely Pathogenic: PM6_Supporting, PS4_Supporting, PM1, PP3_Moderate.

Labcorp Genetics (formerly Invitae), Labcorp
Classification: Uncertain significance for RYR1-related disorder. Last evaluated: 2023-04-11. Review status: criteria provided, single submitter. Criteria: Invitae Variant Classification Sherloc (09022015). Collection method: clinical testing. Allele origin: germline. Not counted in ClinVar's aggregate classification.
Comment: ClinVar contains an entry for this variant (Variation ID: 55831). In summary, the available evidence is currently insufficient to determine the role of this variant in disease. Therefore, it has been classified as a Variant of Uncertain Significance. Advanced modeling of protein sequence and biophysical properties (such as structural, functional, and spatial information, amino acid conservation, physicochemical variation, residue mobility, and thermodynamic stability) performed at Invitae indicates that this missense variant is expected to disrupt RYR1 protein function. This missense change has been observed in individual(s) with autosomal dominant RYR1-related conditions (PMID: 18765655). This variant is not present in population databases (gnomAD no frequency). This sequence change replaces lysine, which is basic and polar, with glutamic acid, which is acidic and polar, at codon 33 of the RYR1 protein (p.Lys33Glu).

PreventionGenetics, part of Exact Sciences
Classification: Uncertain significance. Last evaluated: 2013-11-19. Review status: criteria provided, single submitter. Criteria: ACMG Guidelines, 2015. Collection method: clinical testing. Allele origin: germline. Not counted in ClinVar's aggregate classification.

OMIM
Classification: Pathogenic for KING-DENBOROUGH SYNDROME. Last evaluated: 2008-09-02. Review status: no assertion criteria provided. Collection method: literature only. Allele origin: germline. Not counted in ClinVar's aggregate classification.

RYR1 database
No classification provided. Review status: no classification provided. Collection method: not provided. Allele origin: unknown. Not counted in ClinVar's aggregate classification.

Literature cited by the submitters: PubMed 18765655 (cited by Labcorp Genetics (formerly Invitae), Labcorp and OMIM).

NM_000540.3(RYR1):c.97A>G (p.Lys33Glu)

Gene: RYR1 (ryanodine receptor 1; plus strand). Cytogenetic location: 19q13.2.
Variant type: single nucleotide variant.
Coding change: c.97A>G on transcript NM_000540.3 (MANE Select); coding-DNA position 97, A replaced by G.
Protein change: p.Lys33Glu; replaces lysine 33 with glutamic acid.
Molecular consequence: missense variant.
Genome position (GRCh38, 1-based): chr19:38,440,796, A>G. VCF-style: chr19-38440796-A-G. GRCh37 (hg19) VCF-style: chr19-38931436-A-G.
Other names: NM_000540.2(RYR1):c.97A>G; p.Lys33Glu; c.97A>G, p.Lys33Glu (NM_001042723.2); short protein forms K33E.
Identifiers: ClinVar variation 55831 (VCV000055831.10), dbSNP rs193922746, ClinGen allele CA025005.